The following is an entry in ClinVar:

NM_006031.6(PCNT):c.7424G>A (p.Arg2475Gln)

Gene: PCNT (pericentrin; plus strand). Cytogenetic location: 21q22.3.
Variant type: single nucleotide variant.
Coding change: c.7424G>A on transcript NM_006031.6 (MANE Select); coding-DNA position 7424, G replaced by A.
Protein change: p.Arg2475Gln; replaces arginine 2475 with glutamine.
Molecular consequence: missense variant.
Genome position (GRCh38, 1-based): chr21:46,427,725, G>A. VCF-style: chr21-46427725-G-A. GRCh37 (hg19) VCF-style: chr21-47847639-G-A.
Other names: c.7070G>A, p.Arg2357Gln (NM_001315529.2); short protein forms R2475Q, R2357Q.
Identifiers: ClinVar variation 211880 (VCV000211880.13), dbSNP rs149779006, ClinGen allele CA205431.
Genomic context (GRCh38, chr21:46,427,725, plus strand): 5'-AGGTTGTGCAAGAGGCCTTTGAAAAAGAGCAGGAGATGCAGGGGGTTGAGCTGCAGCCCC[G>A]ACTCAGTGGCTCAGATCTGGGGGGTCACAGCTCCCTGCTCGAAAGGCTGGAGAAGATCAT-3'
Protein context (NP_006022.3, residues 2465-2485): QEMQGVELQP[Arg2475Gln]LSGSDLGGHS

ClinVar aggregate classification (germline): Conflicting classifications of pathogenicity. Review status: criteria provided, conflicting classifications (1 of 4 stars). 5 submissions from 5 submitters: Uncertain significance (4); Likely benign (1). Last evaluated 2025-05-27.

Conditions:
PCNT-related disorder. Also called: PCNT-related condition.
Microcephalic osteodysplastic primordial dwarfism type II (MOPD2). Also called: MOPD II; OSTEODYSPLASTIC PRIMORDIAL DWARFISM, TYPE II; Microcephalic osteodysplastic primordial dwarfism with tooth abnormalities. Identifiers: Orphanet 2637, MedGen C0432246, MONDO:0008872, OMIM 210720.

Allele frequency attached by ClinVar (database versions not stated): TOPMed 0.00004; gnomAD 0.00007; ESP Exome Variant Server 0.00008.

Submissions (5):

PreventionGenetics, part of Exact Sciences
Classification: Uncertain significance for PCNT-related condition. Last evaluated: 2025-05-27. Review status: criteria provided, single submitter. Criteria: ACMG Guidelines, 2015. Collection method: clinical testing. Allele origin: germline.
Comment: The PCNT c.7424G>A variant is predicted to result in the amino acid substitution p.Arg2475Gln. To our knowledge, this variant has not been reported in the literature. This variant is reported in 0.0054% of alleles in individuals of European (Non-Finnish) descent in gnomAD. At this time, the clinical significance of this variant is uncertain due to the absence of conclusive functional and genetic evidence.

Labcorp Genetics (formerly Invitae), Labcorp
Classification: Uncertain significance. Last evaluated: 2025-02-08. Review status: criteria provided, single submitter. Criteria: Invitae Variant Classification Sherloc (09022015). Collection method: clinical testing. Allele origin: germline.
Comment: This sequence change replaces arginine, which is basic and polar, with glutamine, which is neutral and polar, at codon 2475 of the PCNT protein (p.Arg2475Gln). This variant is present in population databases (rs149779006, gnomAD 0.005%). This variant has not been reported in the literature in individuals affected with PCNT-related conditions. ClinVar contains an entry for this variant (Variation ID: 211880). An algorithm developed to predict the effect of missense changes on protein structure and function outputs the following: PolyPhen-2: "Benign". The glutamine amino acid residue is found in multiple mammalian species, which suggests that this missense change does not adversely affect protein function. In summary, the available evidence is currently insufficient to determine the role of this variant in disease. Therefore, it has been classified as a Variant of Uncertain Significance.

Blueprint Genetics
Classification: Likely benign. Last evaluated: 2022-07-18. Review status: criteria provided, single submitter. Criteria: ACMG Guidelines, 2015. Collection method: clinical testing. Allele origin: germline.

Illumina Laboratory Services, Illumina
Classification: Uncertain significance for Microcephalic osteodysplastic primordial dwarfism type II. Last evaluated: 2018-01-13. Review status: criteria provided, single submitter. Criteria: ICSL Variant Classification Criteria 13 December 2019. Collection method: clinical testing. Allele origin: germline.

Genetic Services Laboratory, University of Chicago
Classification: Uncertain significance. Last evaluated: 2014-09-16. Review status: criteria provided, single submitter. Criteria: ACMG Guidelines, 2015. Collection method: clinical testing. Allele origin: germline.